The following is an entry in ClinVar:

ClinVar aggregate classification (germline): Uncertain significance (1 of 4 stars; one submission).

Conditions:
Inborn genetic diseases. Identifiers: MedGen C0950123, MeSH D030342.

gnomAD v4.1: 2 of 1,611,308 alleles (0.00012%); highest among the groups gnomAD compares: Non-Finnish European, 0.00017%; no homozygotes.

Submission:

Ambry Genetics
Classification: Uncertain significance for Inborn genetic diseases. Last evaluated: 2024-12-08. Review status: criteria provided, single submitter. Criteria: Ambry Variant Classification Scheme 2023. Collection method: clinical testing. Allele origin: germline.
Comment: The p.A823V variant (also known as c.2468C>T), located in coding exon 21 of the KDM1A gene, results from a C to T substitution at nucleotide position 2468. The alanine at codon 823 is replaced by valine, an amino acid with similar properties. This amino acid position is conserved. In addition, this alteration is predicted to be deleterious by in silico analysis. Based on the available evidence, the clinical significance of this variant remains unclear.

NM_001009999.3(KDM1A):c.2468C>T (p.Ala823Val)

Gene: KDM1A (lysine demethylase 1A; plus strand). Cytogenetic location: 1p36.12.
Variant type: single nucleotide variant.
Coding change: c.2468C>T on transcript NM_001009999.3 (MANE Select); coding-DNA position 2468, C replaced by T.
Protein change: p.Ala823Val; replaces alanine 823 with valine.
Molecular consequence: missense variant. On other transcripts: 3 prime UTR variant (1).
Genome position (GRCh38, 1-based): chr1:23,083,201, C>T. VCF-style: chr1-23083201-C-T. GRCh37 (hg19) VCF-style: chr1-23409694-C-T.
Other names: c.2414C>T, p.Ala805Val (NM_001363654.2); c.2474C>T, p.Ala825Val (NM_001410762.1); c.*716C>T (NM_001410763.1); c.2396C>T, p.Ala799Val (NM_015013.4); short protein forms A799V, A805V, A823V, A825V.
Identifiers: ClinVar variation 3532988 (VCV003532988.1).
Genomic context (GRCh38, chr1:23,083,201, plus strand): 5'-GTGCAGCCTGCCAATTTTCTCTTTTTCCCCTAAAATAGCCGATTCCACGACTCTTCTTTG[C>T]GGGAGAACATACGATCCGTAACTACCCAGCCACAGTGCATGGTGCTCTGCTGAGTGGGCT-3'
Protein context (NP_001009999.1, residues 813-833): APQPIPRLFF[Ala823Val]GEHTIRNYPA